The following is an entry in ClinVar:

ClinVar aggregate classification (germline): Uncertain significance (1 of 4 stars; one submission).

Submission:

Labcorp Genetics (formerly Invitae), Labcorp
Classification: Uncertain significance. Last evaluated: 2022-07-25. Review status: criteria provided, single submitter. Criteria: Invitae Variant Classification Sherloc (09022015). Collection method: clinical testing. Allele origin: germline.
Comment: In summary, the available evidence is currently insufficient to determine the role of this variant in disease. Therefore, it has been classified as a Variant of Uncertain Significance. Algorithms developed to predict the effect of sequence changes on RNA splicing suggest that this variant is not likely to affect RNA splicing. Algorithms developed to predict the effect of missense changes on protein structure and function are either unavailable or do not agree on the potential impact of this missense change (SIFT: "Tolerated"; PolyPhen-2: "Possibly Damaging"; Align-GVGD: "Class C0"). ClinVar contains an entry for this variant (Variation ID: 962947). This variant has not been reported in the literature in individuals affected with BRPF1-related conditions. This variant is not present in population databases (gnomAD no frequency). This sequence change replaces threonine, which is neutral and polar, with alanine, which is neutral and non-polar, at codon 562 of the BRPF1 protein (p.Thr562Ala).

NM_001003694.2(BRPF1):c.1684A>G (p.Thr562Ala)

Gene: BRPF1 (bromodomain and PHD finger containing 1; plus strand). Cytogenetic location: 3p25.3.
Variant type: single nucleotide variant.
Coding change: c.1684A>G on transcript NM_001003694.2 (MANE Select); coding-DNA position 1684, A replaced by G.
Protein change: p.Thr562Ala; replaces threonine 562 with alanine.
Molecular consequence: missense variant. On other transcripts: non-coding transcript variant (1).
Genome position (GRCh38, 1-based): chr3:9,740,903, A>G. VCF-style: chr3-9740903-A-G. GRCh37 (hg19) VCF-style: chr3-9782587-A-G.
Other names: c.1684A>G, p.Thr562Ala (NM_001319049.2, NM_001319050.2, NM_004634.3); short protein forms T562A.
Identifiers: ClinVar variation 962947 (VCV000962947.6), dbSNP rs2077017391, ClinGen allele CA351690354.